The following is an entry in ClinVar:

NM_018706.7(DHTKD1):c.2743G>A (p.Ala915Thr)

Gene: DHTKD1 (dehydrogenase E1 and transketolase domain containing 1; plus strand). Cytogenetic location: 10p14.
Variant type: single nucleotide variant.
Coding change: c.2743G>A on transcript NM_018706.7 (MANE Select); coding-DNA position 2743, G replaced by A.
Protein change: p.Ala915Thr; replaces alanine 915 with threonine.
Molecular consequence: missense variant.
Genome position (GRCh38, 1-based): chr10:12,120,871, G>A. VCF-style: chr10-12120871-G-A. GRCh37 (hg19) VCF-style: chr10-12162870-G-A.
Other names: short protein forms A915T.
Identifiers: ClinVar variation 2043474 (VCV002043474.4), dbSNP rs373277244, ClinGen allele CA5408385.
Genomic context (GRCh38, chr10:12,120,871, plus strand): 5'-TTGCCAGTACCCGCTGTAGGAATTGGCACAGTTCACTTGCACCAGCATGAAGATATCCTC[G>A]CCAAGACCTTCGCTTGATGATGACTTTTGAAGAAACACTATTTCTCTTTAAGAAAATGGC-3'
Protein context (NP_061176.4, residues 905-919): VHLHQHEDIL[Ala915Thr]KTFA

ClinVar aggregate classification (germline): Uncertain significance (1 of 4 stars; one submission).

Conditions:
2-aminoadipic 2-oxoadipic aciduria (AAKAD). Also called: ALPHA-AMINOADIPIC AND ALPHA-KETOADIPIC ACIDURIA; Aminoadipic aciduria. Identifiers: Orphanet 79154, MedGen C1859817, MONDO:0008774, OMIM 204750.

Allele frequency attached by ClinVar (database versions not stated): gnomAD 0.00003; ExAC 0.00012; ESP Exome Variant Server 0.00015.
gnomAD v4.1: 115 of 1,613,568 alleles (0.0071%); highest among the groups gnomAD compares: South Asian, 0.038%; no homozygotes.

Submission:

Labcorp Genetics (formerly Invitae), Labcorp
Classification: Uncertain significance for 2-aminoadipic 2-oxoadipic aciduria. Last evaluated: 2024-06-19. Review status: criteria provided, single submitter. Criteria: Invitae Variant Classification Sherloc (09022015). Collection method: clinical testing. Allele origin: germline.
Comment: This sequence change replaces alanine, which is neutral and non-polar, with threonine, which is neutral and polar, at codon 915 of the DHTKD1 protein (p.Ala915Thr). This variant is present in population databases (rs373277244, gnomAD 0.05%). This variant has not been reported in the literature in individuals affected with DHTKD1-related conditions. ClinVar contains an entry for this variant (Variation ID: 2043474). Advanced modeling of protein sequence and biophysical properties (such as structural, functional, and spatial information, amino acid conservation, physicochemical variation, residue mobility, and thermodynamic stability) performed at Invitae indicates that this missense variant is not expected to disrupt DHTKD1 protein function with a negative predictive value of 80%. In summary, the available evidence is currently insufficient to determine the role of this variant in disease. Therefore, it has been classified as a Variant of Uncertain Significance.